The following is an entry in ClinVar:

ClinVar aggregate classification (germline): Uncertain significance. Review status: criteria provided, multiple submitters, no conflicts (2 of 4 stars). 3 submissions from 3 submitters: Uncertain significance (3). Last evaluated 2025-07-02.

Conditions:
Inborn genetic diseases. Identifiers: MedGen C0950123, MeSH D030342.
Autosomal dominant Parkinson disease 8. Also called: Parkinson disease 8, susceptibility to; LRRK2-Related Parkinson Disease; Parkinson disease 8. Identifiers: Orphanet 411602, MedGen C1846862, MONDO:0011764, OMIM 607060.

Allele frequency attached by ClinVar (database versions not stated): ExAC 0.00001; gnomAD exomes 0.00001; TOPMed 0.00002.
gnomAD v4.1: 17 of 1,613,102 alleles (0.0011%); highest among the groups gnomAD compares: Middle Eastern, 0.016%; no homozygotes.

Submissions (3):

Ambry Genetics
Classification: Uncertain significance for Inborn genetic diseases. Last evaluated: 2025-07-02. Review status: criteria provided, single submitter. Criteria: Ambry Variant Classification Scheme 2023. Collection method: clinical testing. Allele origin: germline.

Labcorp Genetics (formerly Invitae), Labcorp
Classification: Uncertain significance for Autosomal dominant Parkinson disease 8. Last evaluated: 2024-02-24. Review status: criteria provided, single submitter. Criteria: Invitae Variant Classification Sherloc (09022015). Collection method: clinical testing. Allele origin: germline.
Comment: This sequence change replaces arginine, which is basic and polar, with cysteine, which is neutral and slightly polar, at codon 1728 of the LRRK2 protein (p.Arg1728Cys). This variant is present in population databases (rs201292708, gnomAD 0.008%). This variant has not been reported in the literature in individuals affected with LRRK2-related conditions. ClinVar contains an entry for this variant (Variation ID: 1516364). Advanced modeling of protein sequence and biophysical properties (such as structural, functional, and spatial information, amino acid conservation, physicochemical variation, residue mobility, and thermodynamic stability) has been performed at Invitae for this missense variant, however the output from this modeling did not meet the statistical confidence thresholds required to predict the impact of this variant on LRRK2 protein function. Algorithms developed to predict the effect of sequence changes on RNA splicing suggest that this variant may disrupt the consensus splice site. In summary, the available evidence is currently insufficient to determine the role of this variant in disease. Therefore, it has been classified as a Variant of Uncertain Significance.

AiLife Diagnostics
Classification: Uncertain significance. Last evaluated: 2022-03-29. Review status: criteria provided, single submitter. Criteria: ACMG Guidelines, 2015. Collection method: clinical testing. Allele origin: germline. Affected: yes. Observed: 1 variant allele.

NM_198578.4(LRRK2):c.5182C>T (p.Arg1728Cys)

Gene: LRRK2 (leucine rich repeat kinase 2; plus strand). Cytogenetic location: 12q12.
Variant type: single nucleotide variant.
Coding change: c.5182C>T on transcript NM_198578.4 (MANE Select); coding-DNA position 5182, C replaced by T.
Protein change: p.Arg1728Cys; replaces arginine 1728 with cysteine.
Molecular consequence: missense variant.
Genome position (GRCh38, 1-based): chr12:40,322,046, C>T. VCF-style: chr12-40322046-C-T. GRCh37 (hg19) VCF-style: chr12-40715848-C-T.
Other names: c.5182C>T (NM_198578.3); short protein forms R1728C.
Identifiers: ClinVar variation 1516364 (VCV001516364.10), dbSNP rs201292708, ClinGen allele CA6514392.